The following is an entry in ClinVar:

NM_014855.3(AP5Z1):c.1939-9C>T

Gene: AP5Z1 (adaptor related protein complex 5 subunit zeta 1; plus strand). Cytogenetic location: 7p22.1.
Variant type: single nucleotide variant.
Coding change: c.1939-9C>T on transcript NM_014855.3 (MANE Select); 9 bases into the intron before coding-DNA position 1939, C replaced by T.
Molecular consequence: intron variant.
Genome position (GRCh38, 1-based): chr7:4,790,664, C>T. VCF-style: chr7-4790664-C-T. GRCh37 (hg19) VCF-style: chr7-4830295-C-T.
Other names: p.?; c.1939-9C>T (LRG_1247t1); c.1471-9C>T (NM_001364858.1).
Identifiers: ClinVar variation 360341 (VCV000360341.19), dbSNP rs73305392, ClinGen allele CA4138226.
Genomic context (GRCh38, chr7:4,790,664, plus strand): 5'-CTGGCCTCCCACAGCCGCTCCTGACCCAGGAGGCCTGGGTGGGGGCTGAATCTCTGTCCC[C>T]GGGCCTAGGTGTGGGCCATCGGCGAGTACCTGTCGGTGACCTACGATCGGAGGTGCACCG-3'

ClinVar aggregate classification (germline): Benign. Review status: criteria provided, multiple submitters, no conflicts (2 of 4 stars). 5 submissions from 5 submitters: Benign (5). Last evaluated 2026-02-03.

Conditions:
Hereditary spastic paraplegia 48. Also called: SPASTIC PARAPLEGIA 48, AUTOSOMAL RECESSIVE; Spastic paraplegia 48. Identifiers: Orphanet 306511, MedGen C3150901, MONDO:0013342, OMIM 613647.

Allele frequency attached by ClinVar (database versions not stated): gnomAD exomes 0.00910 and 0.01290; ExAC 0.01546; gnomAD 0.04173 and 0.04460; ESP Exome Variant Server 0.04257; TOPMed 0.04679; 1000 Genomes Project 0.05092; 1000 Genomes Project 30x 0.05372.
gnomAD v4.1: 19,886 of 1,611,958 alleles (1.2%); highest among the groups gnomAD compares: African/African-American, 14%; 778 homozygotes.

Submissions (5):

Labcorp Genetics (formerly Invitae), Labcorp
Classification: Benign for Hereditary spastic paraplegia 48. Last evaluated: 2026-02-03. Review status: criteria provided, single submitter. Criteria: Invitae Variant Classification Sherloc (09022015). Collection method: clinical testing. Allele origin: germline.

Athena Diagnostics
Classification: Benign. Last evaluated: 2024-03-01. Review status: criteria provided, single submitter. Criteria: Athena Diagnostics Criteria. Collection method: clinical testing. Allele origin: unknown.

GeneDx
Classification: Benign. Last evaluated: 2019-03-10. Review status: criteria provided, single submitter. Criteria: GeneDx Variant Classification Process June 2021. Collection method: clinical testing. Allele origin: germline. Affected: yes.

Illumina Laboratory Services, Illumina
Classification: Benign for Hereditary spastic paraplegia 48. Last evaluated: 2018-01-13. Review status: criteria provided, single submitter. Criteria: ICSL Variant Classification Criteria 13 December 2019. Collection method: clinical testing. Allele origin: germline.
Comment: This variant was observed in the ICSL laboratory as part of a predisposition screen in an ostensibly healthy population. It had not been previously curated by ICSL or reported in the Human Gene Mutation Database (HGMD: prior to June 1st, 2018), and was therefore a candidate for classification through an automated scoring system. Utilizing variant allele frequency, disease prevalence and penetrance estimates, and inheritance mode, an automated score was calculated to assess if this variant is too frequent to cause the disease. Based on the score and internal cut-off values, a variant classified as benign is not then subjected to further curation. The score for this variant resulted in a classification of benign for this disease.

Mayo Clinic Laboratories, Mayo Clinic
Classification: Benign. Last evaluated: 2017-10-11. Review status: criteria provided, single submitter. Criteria: ACMG Guidelines, 2015. Collection method: clinical testing. Allele origin: germline. Observed: 31 variant alleles.